The following is an entry in ClinVar:

NM_006254.4(PRKCD):c.1352+1G>A

Gene: PRKCD (protein kinase C delta; plus strand). Cytogenetic location: 3p21.1.
Variant type: single nucleotide variant.
Coding change: c.1352+1G>A on transcript NM_006254.4 (MANE Select); the canonical splice donor site of the intron after coding-DNA position 1352, G replaced by A.
Molecular consequence: splice donor variant.
Genome position (GRCh38, 1-based): chr3:53,186,696, G>A. VCF-style: chr3-53186696-G-A. GRCh37 (hg19) VCF-style: chr3-53220712-G-A.
Other names: c.1352+1G>A (NM_001354680.2, NM_001354679.2, NM_212539.2 and 1 more transcripts); c.1409+1G>A (NM_001354676.2); c.1400+1G>A (NM_001354678.2).
Identifiers: ClinVar variation 89076 (VCV000089076.4), dbSNP rs398122958, ClinGen allele CA145457.

ClinVar aggregate classification (germline): Pathogenic. Review status: criteria provided, single submitter (1 of 4 stars). 2 submissions from 2 submitters: Pathogenic (1). 1 of the submissions does not count toward it. Last evaluated 2024-07-01.

Conditions:
Autoimmune lymphoproliferative syndrome, type III caused by mutation in PRKCD. Identifiers: Orphanet 3261, Orphanet 664711, MedGen C3809928, MONDO:8000024, OMIM 615559.

Submissions (3):

Labcorp Genetics (formerly Invitae), Labcorp
Classification: Pathogenic for Autoimmune lymphoproliferative syndrome, type III caused by mutation in PRKCD. Last evaluated: 2024-07-01. Review status: criteria provided, single submitter. Criteria: Invitae Variant Classification Sherloc (09022015). Collection method: clinical testing. Allele origin: germline.
Comment: This sequence change affects a donor splice site in intron 14 of the PRKCD gene. It is expected to disrupt RNA splicing. Variants that disrupt the donor or acceptor splice site typically lead to a loss of protein function (PMID: 16199547), and loss-of-function variants in PRKCD are known to be pathogenic (PMID: 11976687, 23319571, 23430113). This variant is not present in population databases (gnomAD no frequency). Disruption of this splice site has been observed in individual(s) with PRKC delta deficiency (PMID: 34264265). ClinVar contains an entry for this variant (Variation ID: 89076). Studies have shown that disruption of this splice site alters PRKCD gene expression (PMID: 34264265). Algorithms developed to predict the effect of sequence changes on RNA splicing suggest that this variant may disrupt the consensus splice site. For these reasons, this variant has been classified as Pathogenic.

OMIM
Classification: Pathogenic for AUTOIMMUNE LYMPHOPROLIFERATIVE SYNDROME, TYPE III. Last evaluated: 2013-04-18. Review status: no assertion criteria provided. Collection method: literature only. Allele origin: germline. Not counted in ClinVar's aggregate classification.

Dr. Peter K. Rogan Lab, Western University
No classification provided (evidence only). Condition: Lymphoma. Review status: no classification provided. Collection method: in vitro. Allele origin: not applicable. Functional consequence: skipped exon, retained intron. Not counted in ClinVar's aggregate classification.

Literature cited by the submitters: PubMed 16199547 (cited by Labcorp Genetics (formerly Invitae), Labcorp); PubMed 11976687 (cited by Labcorp Genetics (formerly Invitae), Labcorp); PubMed 23319571 (cited by Labcorp Genetics (formerly Invitae), Labcorp and OMIM); PubMed 23430113 (cited by Labcorp Genetics (formerly Invitae), Labcorp); PubMed 34264265 (cited by Labcorp Genetics (formerly Invitae), Labcorp).